The following is an entry in ClinVar:

NM_020827.3(CFAP97):c.1530G>A (p.Ala510=)

Gene: CFAP97 (cilia and flagella associated protein 97; minus strand). Cytogenetic location: 4q35.1.
Variant type: single nucleotide variant.
Coding change: c.1530G>A on transcript NM_020827.3 (MANE Select); coding-DNA position 1530, G replaced by A.
Protein change: p.Ala510=; no amino-acid change (alanine 510 retained).
Molecular consequence: synonymous variant.
Genome position (GRCh38, 1-based): chr4:185,162,867, C>T on the plus strand (G>A on the coding strand, the complement: CFAP97 is on the minus strand). VCF-style: chr4-185162867-C-T. GRCh37 (hg19) VCF-style: chr4-186084021-C-T.
Identifiers: ClinVar variation 2655210 (VCV002655210.24), dbSNP rs146037638, ClinGen allele CA3156632.

ClinVar aggregate classification (germline): Likely benign (1 of 4 stars; one submission).

Allele frequency attached by ClinVar (database versions not stated): 1000 Genomes Project 0.00180; 1000 Genomes Project 30x 0.00187; ExAC 0.00263; gnomAD 0.00267; TOPMed 0.00333; ESP Exome Variant Server 0.00395.
gnomAD v4.1: 6,258 of 1,611,850 alleles (0.39%); highest among the groups gnomAD compares: Non-Finnish European, 0.48%; 17 homozygotes.

Submission:

CeGaT Center for Human Genetics Tuebingen
Classification: Likely benign. Last evaluated: 2023-05-01. Review status: criteria provided, single submitter. Criteria: CeGaT Center For Human Genetics Tuebingen Variant Classification Criteria Version 2. Collection method: clinical testing. Allele origin: germline. Affected: yes. Observed: 1 variant allele.
Comment: CFAP97: BP4, BP7, BS2